The following is an entry in ClinVar:

NM_001369.3(DNAH5):c.3309dup (p.Lys1104fs)

Genes: DNAH5 (dynein axonemal heavy chain 5; minus strand), DNAH5-AS1 (DNAH5 antisense RNA 1; plus strand). Cytogenetic location: 5p15.2.
Variant type: Duplication.
Coding change: c.3309dup on transcript NM_001369.3 (MANE Select); coding-DNA position 3309, one base duplicated (C; older notation c.3309dupC).
Protein change: p.Lys1104fs; shifts the reading frame from lysine 1104.
Molecular consequence: frameshift variant.
Genome position (GRCh38, 1-based): chr5:13,876,771, G duplicated on the plus strand (C on the coding strand, the reverse complement: DNAH5 is on the minus strand); the first of 2 consecutive G bases (chr5:13,876,771-13,876,772); duplicating either gives the same sequence. VCF-style (leftmost placement, unchanged base first): chr5-13876770-T-TG. GRCh37 (hg19) VCF-style: chr5-13876879-T-TG.
Other names: short protein forms K1104fs.
Identifiers: ClinVar variation 4814880 (VCV004814880.2).

ClinVar aggregate classification (germline): Pathogenic/Likely pathogenic. Review status: criteria provided, multiple submitters, no conflicts (2 of 4 stars). 2 submissions from 2 submitters: Pathogenic (1); Likely pathogenic (1). Last evaluated 2025-03-06.

Conditions:
Primary ciliary dyskinesia 3. Identifiers: Orphanet 244, MedGen C1837618, MONDO:0012085, OMIM 608644.
Primary ciliary dyskinesia. Also called: Ciliary dyskinesia. Identifiers: Orphanet 244, MedGen C0008780, MONDO:0016575, HP:0012265.

Submissions (2):

Natera, Inc.
Classification: Likely pathogenic for Primary ciliary dyskinesia. Last evaluated: 2025-03-06. Review status: criteria provided, single submitter. Criteria: Natera Variant Classification Schema (03/2026). Collection method: clinical testing. Allele origin: germline.
Comment: The c.3309dupC variant in DNAH5 is a frameshift variant predicted to shift the reading frame beginning at codon 1104 and leads to a stop codon 5 codons downstream. This variant is expected to result in nonsense mediated decay, truncation, or a dysfunctional protein product. This variant is rare in the general population with a frequency below the threshold expected for the associated phenotype(s). Given the available evidence, this variant is classified as Likely Pathogenic.

Myriad Genetics, Inc.
Classification: Pathogenic for Primary ciliary dyskinesia 3. Last evaluated: 2025-02-27. Review status: criteria provided, single submitter. Criteria: Myriad Autosomal Dominant, Autosomal Recessive and X-Linked Classification Criteria (2023). Collection method: clinical testing. Allele origin: unknown.
Comment: NM_001369.2(DNAH5):c.3309dupC(K1104Qfs*5) is expected to be pathogenic in the context of primary ciliary dyskinesia, DNAH5-related. This variant is predicted to lead to an abnormal or absent protein product due to the creation of a premature termination codon in DNAH5, a gene where loss-of-function variants are known to be pathogenic. Please note: this variant was assessed in the context of healthy population screening.